The following is an entry in ClinVar:

NM_003239.5(TGFB3):c.107A>C (p.Lys36Thr)

Gene: TGFB3 (transforming growth factor beta 3; minus strand). Cytogenetic location: 14q24.3.
Variant type: single nucleotide variant.
Coding change: c.107A>C on transcript NM_003239.5 (MANE Select); coding-DNA position 107, A replaced by C.
Protein change: p.Lys36Thr; replaces lysine 36 with threonine.
Molecular consequence: missense variant.
Genome position (GRCh38, 1-based): chr14:75,980,787, T>G on the plus strand (A>C on the coding strand, the complement: TGFB3 is on the minus strand). VCF-style: chr14-75980787-T-G. GRCh37 (hg19) VCF-style: chr14-76447130-T-G.
Other names: c.107A>C, p.Lys36Thr (NM_001329938.2, NM_001329939.2); short protein forms K36T.
Identifiers: ClinVar variation 1785851 (VCV001785851.3), dbSNP rs2035418584, ClinGen allele CA390471645.
Genomic context (GRCh38, chr14:75,980,787, plus strand): 5'-GGGCTGGTGAGCCTGAGCTTGCTCAAGATCTGTCCCCTAATGGCTTCCACCCTCTTCTTC[T>G]TGATGTGGCCGAAGTCCAAGGTGGTGCAAGTGGACAGAGAGAGGCTGACCGTGGCAAAGT-3'
Protein context (NP_003230.1, residues 26-46): TCTTLDFGHI[Lys36Thr]KKRVEAIRGQ

ClinVar aggregate classification (germline): Uncertain significance. Review status: criteria provided, multiple submitters, no conflicts (2 of 4 stars). 2 submissions from 2 submitters: Uncertain significance (2). Last evaluated 2025-05-12.

Conditions:
Familial thoracic aortic aneurysm and aortic dissection (TAAD). Also called: Thoracic aortic aneurysms and dissections. Identifiers: Orphanet 91387, MedGen C4707243, MONDO:0019625.

Allele frequency attached by ClinVar (database versions not stated): TOPMed 0.00001.

Submissions (2):

GeneDx
Classification: Uncertain significance. Last evaluated: 2025-05-12. Review status: criteria provided, single submitter. Criteria: GeneDx Variant Classification Process June 2021. Collection method: clinical testing. Allele origin: germline. Affected: yes.
Comment: Not observed at significant frequency in large population cohorts (gnomAD); In silico analysis supports that this missense variant has a deleterious effect on protein structure/function; Has not been previously published as pathogenic or benign to our knowledge

Ambry Genetics
Classification: Uncertain significance for Familial thoracic aortic aneurysm and aortic dissection. Last evaluated: 2021-06-23. Review status: criteria provided, single submitter. Criteria: Ambry Variant Classification Scheme 2023. Collection method: clinical testing. Allele origin: germline.
Comment: The p.K36T variant (also known as c.107A>C), located in coding exon 1 of the TGFB3 gene, results from an A to C substitution at nucleotide position 107. The lysine at codon 36 is replaced by threonine, an amino acid with similar properties. This amino acid position is conserved. In addition, this alteration is predicted to be tolerated by in silico analysis. Since supporting evidence is limited at this time, the clinical significance of this alteration remains unclear.